The following is an entry in ClinVar:

ClinVar aggregate classification (germline): Uncertain significance. Review status: criteria provided, multiple submitters, no conflicts (2 of 4 stars). 2 submissions from 2 submitters: Uncertain significance (2). Last evaluated 2024-06-25.

Conditions:
Inborn genetic diseases. Identifiers: MedGen C0950123, MeSH D030342.
Charcot-Marie-Tooth disease type 4. Also called: Charcot-Marie-Tooth disease, type IV; Charcot-Marie-Tooth, Type 4. Identifiers: Orphanet 64749, MedGen C4082197, MONDO:0018995.

Allele frequency attached by ClinVar (database versions not stated): gnomAD exomes below 0.00001 and 0.00001; ExAC 0.00001; gnomAD 0.00001; TOPMed 0.00001; ESP Exome Variant Server 0.00008.
gnomAD v4.1: 13 of 1,609,764 alleles (0.00081%); highest among the groups gnomAD compares: Non-Finnish European, 0.001%; no homozygotes.

Submissions (2):

Ambry Genetics
Classification: Uncertain significance for Inborn genetic diseases. Last evaluated: 2024-06-25. Review status: criteria provided, single submitter. Criteria: Ambry Variant Classification Scheme 2023. Collection method: clinical testing. Allele origin: germline.

Labcorp Genetics (formerly Invitae), Labcorp
Classification: Uncertain significance for Charcot-Marie-Tooth disease type 4. Last evaluated: 2021-04-23. Review status: criteria provided, single submitter. Criteria: Invitae Variant Classification Sherloc (09022015). Collection method: clinical testing. Allele origin: germline.
Comment: In summary, the available evidence is currently insufficient to determine the role of this variant in disease. Therefore, it has been classified as a Variant of Uncertain Significance. Algorithms developed to predict the effect of missense changes on protein structure and function (SIFT, PolyPhen-2, Align-GVGD) all suggest that this variant is likely to be tolerated, but these predictions have not been confirmed by published functional studies and their clinical significance is uncertain. This variant has not been reported in the literature in individuals with PRX-related conditions. This variant is present in population databases (rs375802521, ExAC 0.002%). This sequence change replaces serine with asparagine at codon 1418 of the PRX protein (p.Ser1418Asn). The serine residue is highly conserved and there is a small physicochemical difference between serine and asparagine.

NM_181882.3(PRX):c.4253G>A (p.Ser1418Asn)

Gene: PRX (periaxin; minus strand). Cytogenetic location: 19q13.2.
Variant type: single nucleotide variant.
Coding change: c.4253G>A on transcript NM_181882.3 (MANE Select); coding-DNA position 4253, G replaced by A.
Protein change: p.Ser1418Asn; replaces serine 1418 with asparagine.
Molecular consequence: missense variant. On other transcripts: 3 prime UTR variant (1).
Genome position (GRCh38, 1-based): chr19:40,394,099, C>T on the plus strand (G>A on the coding strand, the complement: PRX is on the minus strand). VCF-style: chr19-40394099-C-T. GRCh37 (hg19) VCF-style: chr19-40900006-C-T.
Other names: c.4253G>A (NM_181882.2); c.*4458G>A (NM_020956.2); short protein forms S1418N.
Identifiers: ClinVar variation 1510525 (VCV001510525.9), dbSNP rs375802521, ClinGen allele CA9443657.